The following is an entry in ClinVar:

ClinVar aggregate classification (germline): Benign/Likely benign. Review status: criteria provided, multiple submitters, no conflicts (2 of 4 stars). 5 submissions from 5 submitters: Benign (1); Likely benign (4). Last evaluated 2025-09-16.

Conditions:
Hereditary cancer-predisposing syndrome. Also called: Tumor predisposition; Hereditary Cancer Syndrome; Neoplastic Syndromes, Hereditary; Hereditary neoplastic syndrome. Identifiers: Orphanet 140162, MedGen C0027672, MeSH D009386, MONDO:0015356.
Familial cancer of breast. Also called: Hereditary breast cancer; hereditary breast carcinoma; BREAST CANCER, FAMILIAL. Identifiers: Orphanet 227535, MedGen C0346153, MONDO:0016419, OMIM 114480. Disease mechanism: loss of function.
Ataxia-telangiectasia syndrome (AT). Also called: Cerebello-oculocutaneous telangiectasia; Immunodeficiency with ataxia telangiectasia; Ataxia-telangiectasia, complementation group D; AT, COMPLEMENTATION GROUP C; Ataxia-telangiectasia, complementation group E; LOUIS-BAR SYNDROME. Identifiers: Orphanet 100, MedGen C0004135, MONDO:0008840, OMIM 208900.

Allele frequency attached by ClinVar (database versions not stated): gnomAD exomes below 0.00001.
gnomAD v4.1: 1 of 1,613,408 alleles (0.000062%); highest among the groups gnomAD compares: Non-Finnish European, 0.000085%; no homozygotes.

Submissions (5):

Labcorp Genetics (formerly Invitae), Labcorp
Classification: Likely benign for Ataxia-telangiectasia syndrome. Last evaluated: 2025-09-16. Review status: criteria provided, single submitter. Criteria: Invitae Variant Classification Sherloc (09022015). Collection method: clinical testing. Allele origin: germline.

Color Diagnostics, LLC DBA Color Health
Classification: Likely benign for Hereditary cancer-predisposing syndrome. Last evaluated: 2025-03-24. Review status: criteria provided, single submitter. Criteria: ACMG Guidelines, 2015. Collection method: clinical testing. Allele origin: germline.

Myriad Genetics, Inc.
Classification: Benign for Familial cancer of breast. Last evaluated: 2024-05-17. Review status: criteria provided, single submitter. Criteria: Myriad Autosomal Dominant, Autosomal Recessive and X-Linked Classification Criteria (2023). Collection method: clinical testing. Allele origin: unknown.
Comment: This variant is considered benign. This variant is a silent/synonymous amino acid change and it is not expected to impact splicing.

Ambry Genetics
Classification: Likely benign for Hereditary cancer-predisposing syndrome. Last evaluated: 2019-12-02. Review status: criteria provided, single submitter. Criteria: Ambry Variant Classification Scheme 2023. Collection method: clinical testing. Allele origin: germline.

Women's Health and Genetics/Laboratory Corporation of America, LabCorp
Classification: Likely benign. Last evaluated: 2019-08-21. Review status: criteria provided, single submitter. Criteria: LabCorp Variant Classification Summary - May 2015. Collection method: clinical testing. Allele origin: germline.

NM_000051.4(ATM):c.4404T>C (p.Val1468=)

Gene: ATM (ATM serine/threonine kinase; plus strand). Cytogenetic location: 11q22.3.
Variant type: single nucleotide variant.
Coding change: c.4404T>C on transcript NM_000051.4 (MANE Select); coding-DNA position 4404, T replaced by C.
Protein change: p.Val1468=; no amino-acid change (valine 1468 retained).
Molecular consequence: synonymous variant.
Genome position (GRCh38, 1-based): chr11:108,289,769, T>C. VCF-style: chr11-108289769-T-C. GRCh37 (hg19) VCF-style: chr11-108160496-T-C.
Other names: c.4404T>C, p.Val1468= (NM_001351834.2).
Identifiers: ClinVar variation 453519 (VCV000453519.18), dbSNP rs1555097801, ClinGen allele CA476674038.